The following is an entry in ClinVar:

ClinVar aggregate classification (germline): Likely benign (1 of 4 stars; one submission).

Allele frequency attached by ClinVar (database versions not stated): 1000 Genomes Project 30x 0.01187; 1000 Genomes Project 0.01318; TOPMed 0.01479; gnomAD 0.01784 and 0.01789.
gnomAD v4.1: 2,690 of 151,176 alleles (1.8%); highest among the groups gnomAD compares: Non-Finnish European, 2.5%; 43 homozygotes.

Submission:

GeneDx
Classification: Likely benign. Last evaluated: 2018-06-14. Review status: criteria provided, single submitter. Criteria: GeneDx Variant Classification (06012015). Collection method: clinical testing. Allele origin: germline. Affected: yes.
Comment: This variant is considered likely benign or benign based on one or more of the following criteria: it is a conservative change, it occurs at a poorly conserved position in the protein, it is predicted to be benign by multiple in silico algorithms, and/or has population frequency not consistent with disease.

NM_014000.3(VCL):c.2022+167C>T

Gene: VCL (vinculin; plus strand). Cytogenetic location: 10q22.2.
Variant type: single nucleotide variant.
Coding change: c.2022+167C>T on transcript NM_014000.3 (MANE Select); 167 bases into the intron after coding-DNA position 2022, C replaced by T.
Molecular consequence: intron variant.
Genome position (GRCh38, 1-based): chr10:74,101,264, C>T. VCF-style: chr10-74101264-C-T. GRCh37 (hg19) VCF-style: chr10-75861022-C-T.
Other names: c.2022+167C>T (NM_003373.4).
Identifiers: ClinVar variation 674355 (VCV000674355.1), dbSNP rs12416686, ClinGen allele CA13269411.